The following is an entry in ClinVar:

NM_006420.3(ARFGEF2):c.907+9C>T

Gene: ARFGEF2 (ARF guanine nucleotide exchange factor 2; plus strand). Cytogenetic location: 20q13.13.
Variant type: single nucleotide variant.
Coding change: c.907+9C>T on transcript NM_006420.3 (MANE Select); 9 bases into the intron after coding-DNA position 907, C replaced by T.
Molecular consequence: intron variant.
Genome position (GRCh38, 1-based): chr20:48,963,907, C>T. VCF-style: chr20-48963907-C-T. GRCh37 (hg19) VCF-style: chr20-47580444-C-T.
Identifiers: ClinVar variation 128430 (VCV000128430.10), dbSNP rs538199862, ClinGen allele CA230896.

ClinVar aggregate classification (germline): Conflicting classifications of pathogenicity. Review status: criteria provided, conflicting classifications (1 of 4 stars). 4 submissions from 4 submitters: Uncertain significance (1); Likely benign (3). Last evaluated 2024-04-09.

Allele frequency attached by ClinVar (database versions not stated): TOPMed 0.00003; gnomAD 0.00007 and 0.00003; gnomAD exomes 0.00008 and 0.00018; 1000 Genomes Project 30x 0.00016; 1000 Genomes Project 0.00020; ExAC 0.00022.
gnomAD v4.1: 125 of 1,613,388 alleles (0.0077%); highest among the groups gnomAD compares: South Asian, 0.12%; 1 homozygote.

Submissions (4):

Blueprint Genetics
Classification: Likely benign. Last evaluated: 2024-04-09. Review status: criteria provided, single submitter. Criteria: ACMG Guidelines, 2015. Collection method: clinical testing. Allele origin: germline.

Labcorp Genetics (formerly Invitae), Labcorp
Classification: Likely benign. Last evaluated: 2022-12-05. Review status: criteria provided, single submitter. Criteria: Invitae Variant Classification Sherloc (09022015). Collection method: clinical testing. Allele origin: germline.

GeneDx
Classification: Likely benign. Last evaluated: 2016-02-19. Review status: criteria provided, single submitter. Criteria: GeneDx Variant Classification (06012015). Collection method: clinical testing. Allele origin: germline. Affected: yes.
Comment: This variant is considered likely benign or benign based on one or more of the following criteria: it is a conservative change, it occurs at a poorly conserved position in the protein, it is predicted to be benign by multiple in silico algorithms, and/or has population frequency not consistent with disease.

Genetic Services Laboratory, University of Chicago
Classification: Uncertain significance. Last evaluated: 2012-08-10. Review status: criteria provided, single submitter. Criteria: ACMG Guidelines, 2007. Collection method: clinical testing. Allele origin: germline. Inheritance: Autosomal recessive inheritance.